The following is an entry in ClinVar:

NM_004793.4(LONP1):c.1246G>A (p.Ala416Thr)

Gene: LONP1 (lon peptidase 1, mitochondrial; minus strand). Cytogenetic location: 19p13.3.
Variant type: single nucleotide variant.
Coding change: c.1246G>A on transcript NM_004793.4 (MANE Select); coding-DNA position 1246, G replaced by A.
Protein change: p.Ala416Thr; replaces alanine 416 with threonine.
Molecular consequence: missense variant. On other transcripts: non-coding transcript variant (1).
Genome position (GRCh38, 1-based): chr19:5,705,893, C>T on the plus strand (G>A on the coding strand, the complement: LONP1 is on the minus strand). VCF-style: chr19-5705893-C-T. GRCh37 (hg19) VCF-style: chr19-5705904-C-T.
Other names: c.1054G>A, p.Ala352Thr (NM_001276479.2); c.658G>A, p.Ala220Thr (NM_001276480.1); short protein forms A220T, A352T, A416T.
Identifiers: ClinVar variation 1715395 (VCV001715395.5), dbSNP rs2512409252, ClinGen allele CA403533540.

ClinVar aggregate classification (germline): Uncertain significance (1 of 4 stars; one submission).

Submission:

Labcorp Genetics (formerly Invitae), Labcorp
Classification: Uncertain significance. Last evaluated: 2022-08-06. Review status: criteria provided, single submitter. Criteria: Invitae Variant Classification Sherloc (09022015). Collection method: clinical testing. Allele origin: germline.
Comment: This sequence change replaces alanine, which is neutral and non-polar, with threonine, which is neutral and polar, at codon 416 of the LONP1 protein (p.Ala416Thr). This variant is not present in population databases (gnomAD no frequency). This variant has not been reported in the literature in individuals affected with LONP1-related conditions. Algorithms developed to predict the effect of missense changes on protein structure and function (SIFT, PolyPhen-2, Align-GVGD) all suggest that this variant is likely to be tolerated. In summary, the available evidence is currently insufficient to determine the role of this variant in disease. Therefore, it has been classified as a Variant of Uncertain Significance.